The following is an entry in ClinVar:

ClinVar aggregate classification (germline): Uncertain significance. Review status: criteria provided, multiple submitters, no conflicts (2 of 4 stars). 2 submissions from 2 submitters: Uncertain significance (2). Last evaluated 2025-05-23.

Conditions:
Renal cell carcinoma. Identifiers: Orphanet 217071, MedGen C0007134, MeSH D002292, MONDO:0005086, HP:0005584.
Hereditary cancer-predisposing syndrome. Also called: Tumor predisposition; Hereditary Cancer Syndrome; Hereditary neoplastic syndrome; Neoplastic Syndromes, Hereditary. Identifiers: Orphanet 140162, MedGen C0027672, MeSH D009386, MONDO:0015356.

Submissions (2):

Labcorp Genetics (formerly Invitae), Labcorp
Classification: Uncertain significance for Renal cell carcinoma. Last evaluated: 2025-05-23. Review status: criteria provided, single submitter. Criteria: Invitae Variant Classification Sherloc (09022015). Collection method: clinical testing. Allele origin: germline.
Comment: This sequence change replaces histidine, which is basic and polar, with arginine, which is basic and polar, at codon 522 of the MET protein (p.His522Arg). This variant is not present in population databases (gnomAD no frequency). This variant has not been reported in the literature in individuals affected with MET-related conditions. ClinVar contains an entry for this variant (Variation ID: 2587502). Invitae Evidence Modeling of protein sequence and biophysical properties (such as structural, functional, and spatial information, amino acid conservation, physicochemical variation, residue mobility, and thermodynamic stability) indicates that this missense variant is expected to disrupt MET protein function with a positive predictive value of 80%. In summary, the available evidence is currently insufficient to determine the role of this variant in disease. Therefore, it has been classified as a Variant of Uncertain Significance.

Ambry Genetics
Classification: Uncertain significance for Hereditary cancer-predisposing syndrome. Last evaluated: 2023-09-12. Review status: criteria provided, single submitter. Criteria: Ambry Variant Classification Scheme 2023. Collection method: clinical testing. Allele origin: germline.
Comment: The p.H522R variant (also known as c.1565A>G), located in coding exon 4 of the MET gene, results from an A to G substitution at nucleotide position 1565. The histidine at codon 522 is replaced by arginine, an amino acid with highly similar properties. This amino acid position is conserved. In addition, the in silico prediction for this alteration is inconclusive. Since supporting evidence is limited at this time, the clinical significance of this alteration remains unclear.

NM_000245.4(MET):c.1565A>G (p.His522Arg)

Gene: MET (MET proto-oncogene, receptor tyrosine kinase; plus strand). Cytogenetic location: 7q31.2.
Variant type: single nucleotide variant.
Coding change: c.1565A>G on transcript NM_000245.4 (MANE Select); coding-DNA position 1565, A replaced by G.
Protein change: p.His522Arg; replaces histidine 522 with arginine.
Molecular consequence: missense variant.
Genome position (GRCh38, 1-based): chr7:116,740,889, A>G. VCF-style: chr7-116740889-A-G. GRCh37 (hg19) VCF-style: chr7-116380943-A-G.
Other names: c.1565A>G, p.His522Arg (NM_001127500.3, NM_001324401.3); c.275A>G, p.His92Arg (NM_001324402.2); short protein forms H92R, H522R.
Identifiers: ClinVar variation 2587502 (VCV002587502.3), dbSNP rs2116834715, ClinGen allele CA368975132.